The following is an entry in ClinVar:

NM_002427.4(MMP13):c.1064G>T (p.Trp355Leu)

Gene: MMP13 (matrix metallopeptidase 13; minus strand). Cytogenetic location: 11q22.2.
Variant type: single nucleotide variant.
Coding change: c.1064G>T on transcript NM_002427.4 (MANE Select); coding-DNA position 1064, G replaced by T.
Protein change: p.Trp355Leu; replaces tryptophan 355 with leucine.
Molecular consequence: missense variant.
Genome position (GRCh38, 1-based): chr11:102,948,038, C>A on the plus strand (G>T on the coding strand, the complement: MMP13 is on the minus strand). VCF-style: chr11-102948038-C-A. GRCh37 (hg19) VCF-style: chr11-102818767-C-A.
Other names: short protein forms W355L.
Identifiers: ClinVar variation 3611074 (VCV003611074.2).

ClinVar aggregate classification (germline): Uncertain significance (1 of 4 stars; one submission).

gnomAD v4.1: 6 of 1,613,138 alleles (0.00037%); highest among the groups gnomAD compares: Non-Finnish European, 0.00051%; no homozygotes.

Submission:

Labcorp Genetics (formerly Invitae), Labcorp
Classification: Uncertain significance. Last evaluated: 2024-07-03. Review status: criteria provided, single submitter. Criteria: Invitae Variant Classification Sherloc (09022015). Collection method: clinical testing. Allele origin: germline.
Comment: This sequence change replaces tryptophan, which is neutral and slightly polar, with leucine, which is neutral and non-polar, at codon 355 of the MMP13 protein (p.Trp355Leu). This variant is not present in population databases (gnomAD no frequency). This variant has not been reported in the literature in individuals affected with MMP13-related conditions. Advanced modeling of protein sequence and biophysical properties (such as structural, functional, and spatial information, amino acid conservation, physicochemical variation, residue mobility, and thermodynamic stability) performed at Invitae indicates that this missense variant is expected to disrupt MMP13 protein function with a positive predictive value of 80%. In summary, the available evidence is currently insufficient to determine the role of this variant in disease. Therefore, it has been classified as a Variant of Uncertain Significance.